The following is an entry in ClinVar:

NM_152703.5(SAMD9L):c.2108A>G (p.Glu703Gly)

Gene: SAMD9L (sterile alpha motif domain containing 9 like; minus strand). Cytogenetic location: 7q21.2.
Variant type: single nucleotide variant.
Coding change: c.2108A>G on transcript NM_152703.5 (MANE Select); coding-DNA position 2108, A replaced by G.
Protein change: p.Glu703Gly; replaces glutamic acid 703 with glycine.
Molecular consequence: missense variant.
Genome position (GRCh38, 1-based): chr7:93,133,864, T>C on the plus strand (A>G on the coding strand, the complement: SAMD9L is on the minus strand). VCF-style: chr7-93133864-T-C. GRCh37 (hg19) VCF-style: chr7-92763177-T-C.
Other names: c.2108A>G, p.Glu703Gly (NM_001303496.3, NM_001303497.3, NM_001303498.3 and 5 more transcripts); short protein forms E703G.
Identifiers: ClinVar variation 5028985 (VCV005028985.1).

ClinVar aggregate classification (germline): Uncertain significance (1 of 4 stars; one submission).

Conditions:
Inborn genetic diseases. Identifiers: MedGen C0950123, MeSH D030342.

Submission:

Ambry Genetics
Classification: Uncertain significance for Inborn genetic diseases. Last evaluated: 2026-09-06. Review status: criteria provided, single submitter. Criteria: Ambry Variant Classification Scheme 2023. Collection method: clinical testing. Allele origin: germline.
Comment: The p.E703G variant (also known as c.2108A>G), located in coding exon 1 of the SAMD9L gene, results from an A to G substitution at nucleotide position 2108. The glutamic acid at codon 703 is replaced by glycine, an amino acid with similar properties. This amino acid position is conserved. In addition, this alteration is predicted to be tolerated by in silico analysis. Based on the available evidence, the clinical significance of this variant remains unclear.